The following is an entry in ClinVar:

NM_000642.3(AGL):c.3020T>C (p.Phe1007Ser)

Gene: AGL (amylo-alpha-1,6-glucosidase and 4-alpha-glucanotransferase; plus strand). Cytogenetic location: 1p21.2.
Variant type: single nucleotide variant.
Coding change: c.3020T>C on transcript NM_000642.3 (MANE Select); coding-DNA position 3020, T replaced by C.
Protein change: p.Phe1007Ser; replaces phenylalanine 1007 with serine.
Molecular consequence: missense variant.
Genome position (GRCh38, 1-based): chr1:99,891,676, T>C. VCF-style: chr1-99891676-T-C. GRCh37 (hg19) VCF-style: chr1-100357232-T-C.
Other names: c.3020T>C, p.Phe1007Ser (NM_000028.3, NM_000643.3, NM_000644.3 and 1 more transcripts); c.2972T>C, p.Phe991Ser (NM_000646.3); c.2999T>C, p.Phe1000Ser (NM_001425326.1); c.2819T>C, p.Phe940Ser (NM_001425327.1); c.2816T>C, p.Phe939Ser (NM_001425328.1); c.2681T>C, p.Phe894Ser (NM_001425329.1); c.2642T>C, p.Phe881Ser (NM_001425332.1); short protein forms F1007S, F991S, F1000S, F881S, F894S, F939S, F940S.
Identifiers: ClinVar variation 1037834 (VCV001037834.6), dbSNP rs1652912052, ClinGen allele CA341326066.
Genomic context (GRCh38, chr1:99,891,676, plus strand): 5'-GGTTGCAGGCTATGTTCTTCTACCTGAAGCAGATCCCACGTTACCTTATCCCATGTTACT[T>C]TGATGCTATATTAATTGGTGCATATACCACTCTTCTGGATACAGCATGGAAGCAGATGTC-3'
Protein context (NP_000633.2, residues 997-1017): QIPRYLIPCY[Phe1007Ser]DAILIGAYTT

ClinVar aggregate classification (germline): Uncertain significance (1 of 4 stars; one submission).

Conditions:
Glycogen storage disease type III (GSD3). Also called: FORBES DISEASE; Cori disease. Identifiers: Orphanet 366, MedGen C0017922, MONDO:0009291, OMIM 232400.

Allele frequency attached by ClinVar (database versions not stated): gnomAD exomes 0.00001.

Submission:

Labcorp Genetics (formerly Invitae), Labcorp
Classification: Uncertain significance for Glycogen storage disease type III. Last evaluated: 2021-09-01. Review status: criteria provided, single submitter. Criteria: Invitae Variant Classification Sherloc (09022015). Collection method: clinical testing. Allele origin: germline.
Comment: This sequence change replaces phenylalanine with serine at codon 1007 of the AGL protein (p.Phe1007Ser). The phenylalanine residue is highly conserved and there is a large physicochemical difference between phenylalanine and serine. This variant is not present in population databases (ExAC no frequency). This variant has not been reported in the literature in individuals affected with AGL-related conditions. Algorithms developed to predict the effect of missense changes on protein structure and function are either unavailable or do not agree on the potential impact of this missense change (SIFT: "Deleterious"; PolyPhen-2: "Probably Damaging"; Align-GVGD: "Class C0"). In summary, the available evidence is currently insufficient to determine the role of this variant in disease. Therefore, it has been classified as a Variant of Uncertain Significance.